The following is an entry in ClinVar:

NM_014251.3(SLC25A13):c.2T>C (p.Met1Thr)

Genes: SLC25A13 (solute carrier family 25 member 13; minus strand), LOC129998833 (ATAC-STARR-seq lymphoblastoid silent region 18384; plus strand). Cytogenetic location: 7q21.3.
Variant type: single nucleotide variant.
Coding change: c.2T>C on transcript NM_014251.3 (MANE Select); coding-DNA position 2, T replaced by C.
Protein change: p.Met1Thr; changes the start codon (methionine 1).
Molecular consequence: missense variant, initiator codon variant. On other transcripts: non-coding transcript variant (1).
Genome position (GRCh38, 1-based): chr7:96,321,955, A>G on the plus strand (T>C on the coding strand, the complement: SLC25A13 is on the minus strand). VCF-style: chr7-96321955-A-G. GRCh37 (hg19) VCF-style: chr7-95951267-A-G.
Other names: p.Met1?; c.2T>C, p.Met1Thr (NM_001160210.2); short protein forms M1T.
Identifiers: ClinVar variation 193371 (VCV000193371.94), dbSNP rs541276426, ClinGen allele CA238894.

ClinVar aggregate classification (germline): Uncertain significance. Review status: criteria provided, multiple submitters, no conflicts (2 of 4 stars). 17 submissions from 17 submitters: Uncertain significance (15). 2 of the submissions do not count toward it. Last evaluated 2026-07-20.

Conditions:
SLC25A13-related disorder. Also called: SLC25A13-related condition.
Citrullinemia, type II, adult-onset (CDAA). Also called: CITRIN DEFICIENCY, ADOLESCENT OR ADULT ONSET. Identifiers: Orphanet 247585, MedGen CN295299, MONDO:0011326, OMIM 603471.
Neonatal intrahepatic cholestasis due to citrin deficiency (CDNI). Also called: Neonatal Intrahepatic Cholestasis Caused by Citrin Deficiency (NICCD); Neonatal-onset citrullinemia type II; Neonatal-onset citrullinemia type 2; CITRIN DEFICIENCY, NEONATAL OR INFANTILE ONSET. Identifiers: Orphanet 247598, MedGen C1853942, MONDO:0011601, OMIM 605814.
Adult-onset citrullinemia type I. Also called: Late-onset citrullinemia. Identifiers: Orphanet 247573, MedGen C0268546, MONDO:0016601.
Citrin deficiency. Identifiers: Orphanet 247582, MedGen C1997910, MONDO:0016602.
Citrullinemia type I (CTNL1). Also called: ASS DEFICIENCY; argininosuccinate synthetase deficiency. Identifiers: Orphanet 247525, MedGen C4721769, MONDO:0008988, OMIM 215700.
Citrullinemia type II. Also called: Citrullinemia Type II (CTLN2). Identifiers: Orphanet 247585, MedGen C1863844, MONDO:0016603.

Allele frequency attached by ClinVar (database versions not stated): gnomAD exomes 0.00019 and 0.00084; gnomAD 0.00041 and 0.00058; TOPMed 0.00054; ExAC 0.00123; 1000 Genomes Project 30x 0.00515; 1000 Genomes Project 0.00539.

Submissions 1 to 12 of 17:

PreventionGenetics, part of Exact Sciences
Classification: Uncertain significance for SLC25A13-related condition. Last evaluated: 2026-07-20. Review status: criteria provided, single submitter. Criteria: ACMG Guidelines, 2015. Collection method: clinical testing. Allele origin: germline.
Comment: The SLC25A13 c.2T>C variant is predicted to disrupt the translation initiation site (Start Loss). This variant has been reported in patients with citrin deficiency (see, for examples, Zeng et al. 2014. PubMed ID: 25216257; Lin et al. 2016. PubMed ID: 27405544). Additionally, this variant has been reported in a patient with neonatal intrahepatic cholestasis but was also observed in unaffected controls (Treepongkaruna et al. 2012. PubMed ID: 23067347). Functional studies in a yeast model system suggest that the c.2T>C variant produces a non-functional truncated protein product designated p.Met1_Phe34del (Wongkittichote et al. 2013. PubMed ID: 23053473); however, the c.2T>C variant has not been evaluated in human cells. Of note, this variant is reported in 1.2% of alleles, including one homozygote, in individuals of East Asian descent in gnomAD. Of note, the prevalence of citrin deficiency is known to be higher in Asian populations such as in Japan and China (Kobayashi et al. 1993. [Gene Reviews]. PubMed ID: 20301360). At this time, the clinical significance of this variant is uncertain due to the absence of conclusive functional and genetic evidence.

Women's Health and Genetics/Laboratory Corporation of America, LabCorp
Classification: Uncertain significance. Last evaluated: 2026-02-24. Review status: criteria provided, single submitter. Criteria: LabCorp Variant Classification Summary - May 2015. Collection method: clinical testing. Allele origin: germline.
Comment: Variant summary: SLC25A13 c.2T>C (p.Met1Thr) alters the initiation codon and is predicted to result either in absence of the protein or truncation of the encoded protein due to translation initiation at a downstream codon. The next in-frame methionine is present at codon 34. The variant allele was found at a frequency of 0.00084 in 137038 control chromosomes, predominantly at a frequency of 0.012 within the East Asian subpopulation in the gnomAD database, including 1 homozygotes. The observed variant frequency within East Asian control individuals in the gnomAD database exceeds the estimated maximal expected allele frequency for disease-causing variants in SLC25A13. c.2T>C has been observed in multiple individuals affected with Citrullinemia Type II (e.g., Zhang_2012, Chen_2022, Nguyen_2023). These data indicate that the variant is very likely to be associated with disease. At least one publication reports experimental evidence evaluating an impact on protein function, however, does not allow convincing conclusions about the variant effect in human cells (Wongkittichote_2013). The following publications have been ascertained in the context of this evaluation (PMID: 25216257, 27405544, 31180159, 34800434, 36599957, 23067347, 23053473, 23022256, 35798653). ClinVar contains an entry for this variant (Variation ID: 193371). Based on the evidence outlined above, the variant was classified as uncertain significance.

Blueprint Genetics
Classification: Uncertain significance. Last evaluated: 2024-10-22. Review status: criteria provided, single submitter. Criteria: ACMG Guidelines, 2015. Collection method: clinical testing. Allele origin: germline.

Fulgent Genetics
Classification: Uncertain significance for Citrullinemia, type II, adult-onset; Neonatal intrahepatic cholestasis due to citrin deficiency. Last evaluated: 2024-01-12. Review status: criteria provided, single submitter. Criteria: ACMG Guidelines, 2015. Collection method: clinical testing. Allele origin: germline.

Revvity Omics, Revvity
Classification: Uncertain significance. Last evaluated: 2022-11-08. Review status: criteria provided, single submitter. Criteria: ACMG Guidelines, 2015. Collection method: clinical testing. Allele origin: germline.

Labcorp Genetics (formerly Invitae), Labcorp
Classification: Uncertain significance for Citrin deficiency. Last evaluated: 2022-08-31. Review status: criteria provided, single submitter. Criteria: Invitae Variant Classification Sherloc (09022015). Collection method: clinical testing. Allele origin: germline.
Comment: This sequence change affects the initiator methionine of the SLC25A13 mRNA. The next in-frame methionine is located at codon 34. This variant is present in population databases (rs541276426, gnomAD 1.2%), including at least one homozygous and/or hemizygous individual. Disruption of the initiator codon has been observed in individual(s) with citrin deficiency (PMID: 25216257, 27405544). ClinVar contains an entry for this variant (Variation ID: 193371). Algorithms developed to predict the effect of variants on protein structure and function are not available or were not evaluated for this variant. Experimental studies have shown that disruption of the initiator codon affects SLC25A13 function (PMID: 23053473). In summary, the available evidence is currently insufficient to determine the role of this variant in disease. Therefore, it has been classified as a Variant of Uncertain Significance.

Victorian Clinical Genetics Services, Murdoch Childrens Research Institute
Classification: Uncertain significance for Neonatal intrahepatic cholestasis due to citrin deficiency. Last evaluated: 2022-03-31. Review status: criteria provided, single submitter. Criteria: ACMG Guidelines, 2015. Collection method: clinical testing. Allele origin: germline. Inheritance: Autosomal recessive inheritance.
Comment: Based on the classification scheme VCGS_Germline_v1.3.4, this variant is classified as VUS-3B. The following criteria are met: 0102 - Loss of function is a known mechanism of disease in this gene and is associated with neonatal-onset citrullinemia type II (MIM# 605814) and adult-onset citrullinemia type II (MIM#603471). (I) 0106 - This gene is associated with autosomal recessive disease. (I) 0206 - Variant is predicted to result in a loss of the canonical translation initiation codon (ATG). (SP) 0251 - This variant is heterozygous. (I) 0304 - Variant is present in gnomAD (v3) <0.01 for a recessive condition (84 heterozygotes, 3 homozygotes). (SP) 0809 - Previous evidence of pathogenicity for this variant is inconclusive. This variant has been reported multiple times as VUS in ClinVar. It has also been reported multiple times as homozygous or compound heterozygous in individuals with neonatal intrahepatic cholestasis caused by citrin deficiency (PMID: 23022256, 23067347, 25216257, 27405544, 30887117, 34704407). (I) 0905 - No published segregation evidence has been identified for this variant. (I) 1002 - This variant has moderate functional evidence supporting abnormal protein function. Functional studies in yeast found this variant expresses a truncated protein which was not functional (PMID: 23053473). (SP) 0710 - Another start loss variant comparable to the one identified in this case has inconclusive previous evidence for pathogenicity. An alternative change c.2T>A has been reported as VUS in ClinVar. (I) Legend: (SP) - Supporting pathogenic, (I) - Information, (SB) - Supporting benign

Mayo Clinic Laboratories, Mayo Clinic
Classification: Uncertain significance. Last evaluated: 2021-05-28. Review status: criteria provided, single submitter. Criteria: ACMG Guidelines, 2015. Collection method: clinical testing. Allele origin: germline.

CeGaT Center for Human Genetics Tuebingen
Classification: Uncertain significance. Last evaluated: 2020-11-01. Review status: criteria provided, single submitter. Criteria: CeGaT Center For Human Genetics Tuebingen Variant Classification Criteria Version 2. Collection method: clinical testing. Allele origin: germline. Affected: yes. Observed: 1 variant allele.

Mendelics
Classification: Uncertain significance for Citrullinemia type I. Last evaluated: 2019-05-28. Review status: criteria provided, single submitter. Criteria: Mendelics Assertion Criteria 2017. Collection method: clinical testing. Allele origin: unknown.

Baylor Genetics
Classification: Uncertain significance for Citrullinemia, type II, adult-onset. Last evaluated: 2019-02-26. Review status: criteria provided, single submitter. Criteria: ACMG Guidelines, 2015. Collection method: clinical testing. Allele origin: paternal. Affected: yes.
Comment: This variant was determined to be of uncertain significance according to ACMG Guidelines, 2015 [PMID:25741868].

Eurofins Ntd Llc (ga)
Classification: Uncertain significance. Last evaluated: 2018-05-10. Review status: criteria provided, single submitter. Criteria: EGL ClinVar v180209 classification definitions. Collection method: clinical testing. Allele origin: germline. Observed: 8 variant alleles, 8 heterozygotes.